The following is an entry in ClinVar:

ClinVar aggregate classification (germline): Conflicting classifications of pathogenicity. Review status: criteria provided, conflicting classifications (1 of 4 stars). 6 submissions from 6 submitters: Uncertain significance (3); Likely benign (1). 2 of the submissions do not count toward it. Last evaluated 2026-01-16.

Conditions:
Usher syndrome type 1 (USH1). Also called: RETINITIS PIGMENTOSA AND CONGENITAL DEAFNESS. Identifiers: Orphanet 231169, Orphanet 886, MedGen C1568247, MONDO:0010168, OMIM 276900.
Inborn genetic diseases. Identifiers: MedGen C0950123, MeSH D030342.
CDH23-related disorder. Also called: CDH23-related disorders; CDH23-related condition.

Allele frequency attached by ClinVar (database versions not stated): gnomAD 0.00004 and 0.00003; TOPMed 0.00007; ExAC 0.00009.
gnomAD v4.1: 34 of 1,613,916 alleles (0.0021%); highest among the groups gnomAD compares: Admixed American, 0.045%; no homozygotes.

Submissions (6):

Labcorp Genetics (formerly Invitae), Labcorp
Classification: Likely benign. Last evaluated: 2026-01-16. Review status: criteria provided, single submitter. Criteria: Invitae Variant Classification Sherloc (09022015). Collection method: clinical testing. Allele origin: germline.

Ambry Genetics
Classification: Uncertain significance for Inborn genetic diseases. Last evaluated: 2025-01-18. Review status: criteria provided, single submitter. Criteria: Ambry Variant Classification Scheme 2023. Collection method: clinical testing. Allele origin: germline.

Blueprint Genetics
Classification: Uncertain significance. Last evaluated: 2024-09-06. Review status: criteria provided, single submitter. Criteria: ACMG Guidelines, 2015. Collection method: clinical testing. Allele origin: germline.

GeneDx
Classification: Uncertain significance. Last evaluated: 2023-10-16. Review status: criteria provided, single submitter. Criteria: GeneDx Variant Classification Process June 2021. Collection method: clinical testing. Allele origin: germline. Affected: yes.
Comment: In silico analysis supports that this missense variant does not alter protein structure/function; Has not been previously published as pathogenic or benign to our knowledge

PreventionGenetics, part of Exact Sciences
Classification: Uncertain significance for CDH23-related condition. Last evaluated: 2024-09-23. Review status: no assertion criteria provided. Collection method: clinical testing. Allele origin: germline. Not counted in ClinVar's aggregate classification.
Comment: The CDH23 c.160C>G variant is predicted to result in the amino acid substitution p.Gln54Glu. To our knowledge, this variant has not been reported in the literature. This variant is reported in 0.064% of alleles in individuals of Latino descent in gnomAD, which my be too common to be an unreported cause of disease. Although we suspect that this variant may be benign, at this time, the clinical significance of this variant is uncertain due to the absence of conclusive functional and genetic evidence.

Natera, Inc.
Classification: Uncertain significance for Usher syndrome type 1. Last evaluated: 2020-04-15. Review status: no assertion criteria provided. Collection method: clinical testing. Allele origin: germline. Not counted in ClinVar's aggregate classification.

NM_022124.6(CDH23):c.160C>G (p.Gln54Glu)

Genes: CDH23 (cadherin related 23; plus strand), CDH23-AS1 (CDH23 antisense RNA 1; minus strand). Cytogenetic location: 10q22.1.
Variant type: single nucleotide variant.
Coding change: c.160C>G on transcript NM_022124.6 (MANE Select); coding-DNA position 160, C replaced by G.
Protein change: p.Gln54Glu; replaces glutamine 54 with glutamic acid.
Molecular consequence: missense variant.
Genome position (GRCh38, 1-based): chr10:71,510,096, C>G. VCF-style: chr10-71510096-C-G. GRCh37 (hg19) VCF-style: chr10-73269853-C-G.
Other names: c.160C>G (NM_022124.5); c.160C>G, p.Gln54Glu (NM_001171930.2, NM_001171931.2, NM_001171932.2 and 1 more transcripts); short protein forms Q54E.
Identifiers: ClinVar variation 990900 (VCV000990900.10), dbSNP rs765455172, ClinGen allele CA5543316.